The following is an entry in ClinVar:

ClinVar aggregate classification (germline): Uncertain significance (1 of 4 stars; one submission).

Conditions:
Dyggve-Melchior-Clausen syndrome (DMC). Also called: Dyggve-Melchior-Clausen disease; DMC syndrome. Identifiers: Orphanet 239, MedGen C0265286, MONDO:0009130, OMIM 223800.

Submission:

Centre for Human Genetics
Classification: Uncertain significance for Dyggve-Melchior-Clausen syndrome. Last evaluated: 2020-10-01. Review status: criteria provided, single submitter. Criteria: ACMG Guidelines, 2015. Collection method: clinical testing. Allele origin: germline. Affected: yes and no. Observed: 3 variant alleles. Segregation with disease observed.

NM_001353214.3(DYM):c.550T>C (p.Ser184Pro)

Gene: DYM (dymeclin; minus strand). Cytogenetic location: 18q21.1.
Variant type: single nucleotide variant.
Coding change: c.550T>C on transcript NM_001353214.3 (MANE Select); coding-DNA position 550, T replaced by C.
Protein change: p.Ser184Pro; replaces serine 184 with proline.
Molecular consequence: missense variant. On other transcripts: intron variant (6).
Genome position (GRCh38, 1-based): chr18:49,333,798, A>G on the plus strand (T>C on the coding strand, the complement: DYM is on the minus strand). VCF-style: chr18-49333798-A-G. GRCh37 (hg19) VCF-style: chr18-46860168-A-G.
Other names: c.550T>C, p.Ser184Pro (NM_001353210.3, NM_001353213.3, NM_001353215.3 and 10 more transcripts); c.547T>C, p.Ser183Pro (NM_001353211.3, NM_001353212.3, NM_001374429.1 and 1 more transcripts); c.322T>C, p.Ser108Pro (NM_001374440.1); c.194-47185T>C (NM_001374443.1); c.194-47182T>C (NM_001374444.1, NM_001374442.1, NM_001374441.1); c.495-1792T>C (NM_001374436.1, NM_001374432.1); short protein forms S108P, S183P, S184P.
Identifiers: ClinVar variation 1048087 (VCV001048087.1), dbSNP rs2063482690, ClinGen allele CA402509529.